The following is an entry in ClinVar:

NM_001367624.2(ZNF469):c.2813C>T (p.Ala938Val)

Gene: ZNF469 (zinc finger protein 469; plus strand). Cytogenetic location: 16q24.2.
Variant type: single nucleotide variant.
Coding change: c.2813C>T on transcript NM_001367624.2 (MANE Select); coding-DNA position 2813, C replaced by T.
Protein change: p.Ala938Val; replaces alanine 938 with valine.
Molecular consequence: missense variant.
Genome position (GRCh38, 1-based): chr16:88,430,283, C>T. VCF-style: chr16-88430283-C-T. GRCh37 (hg19) VCF-style: chr16-88496691-C-T.
Other names: short protein forms A938V.
Identifiers: ClinVar variation 4760995 (VCV004760995.1).
Genomic context (GRCh38, chr16:88,430,283, plus strand): 5'-GCCCAGCCCGAGGCAGGCCCAAAACGCGTTCCCTGGGTCTGGCCCCCACCGAGGCGGATG[C>T]GCCCAGCCAGGGCAGGCAGCAGAGGAGGGGGAAGCAGTTGAAGCTGTTCCGGAAGGATCT-3'
Protein context (NP_001354553.1, residues 928-948): SLGLAPTEAD[Ala938Val]PSQGRQQRRG

ClinVar aggregate classification (germline): Uncertain significance (1 of 4 stars; one submission).

gnomAD v4.1: 2 of 1,514,026 alleles (0.00013%); highest among the groups gnomAD compares: South Asian, 0.0012%; no homozygotes.

Submission:

Labcorp Genetics (formerly Invitae), Labcorp
Classification: Uncertain significance. Last evaluated: 2025-12-03. Review status: criteria provided, single submitter. Criteria: Invitae Variant Classification Sherloc (09022015). Collection method: clinical testing. Allele origin: germline.
Comment: This sequence change replaces alanine, which is neutral and non-polar, with valine, which is neutral and non-polar, at codon 938 of the ZNF469 protein (p.Ala938Val). This variant is not present in population databases (gnomAD no frequency). This variant has not been reported in the literature in individuals affected with ZNF469-related conditions. An algorithm developed to predict the effect of missense changes on protein structure and function outputs the following: PolyPhen-2: "Benign". The valine amino acid residue is found in multiple mammalian species, which suggests that this missense change does not adversely affect protein function. In summary, the available evidence is currently insufficient to determine the role of this variant in disease. Therefore, it has been classified as a Variant of Uncertain Significance.